The following is an entry in ClinVar:

ClinVar aggregate classification (germline): Uncertain significance (1 of 4 stars; one submission).

Conditions:
Tuberous sclerosis 2 (TSC2). Identifiers: Orphanet 805, MedGen C1860707, MONDO:0013199, OMIM 613254.

Submission:

Labcorp Genetics (formerly Invitae), Labcorp
Classification: Uncertain significance for Tuberous sclerosis 2. Last evaluated: 2024-08-24. Review status: criteria provided, single submitter. Criteria: Invitae Variant Classification Sherloc (09022015). Collection method: clinical testing. Allele origin: germline.
Comment: This sequence change replaces asparagine, which is neutral and polar, with aspartic acid, which is acidic and polar, at codon 1224 of the TSC2 protein (p.Asn1224Asp). This variant is not present in population databases (gnomAD no frequency). This variant has not been reported in the literature in individuals affected with TSC2-related conditions. Invitae Evidence Modeling of protein sequence and biophysical properties (such as structural, functional, and spatial information, amino acid conservation, physicochemical variation, residue mobility, and thermodynamic stability) indicates that this missense variant is not expected to disrupt TSC2 protein function with a negative predictive value of 95%. In summary, the available evidence is currently insufficient to determine the role of this variant in disease. Therefore, it has been classified as a Variant of Uncertain Significance.

NM_000548.5(TSC2):c.3670A>G (p.Asn1224Asp)

Gene: TSC2 (TSC complex subunit 2; plus strand). Cytogenetic location: 16p13.3.
Variant type: single nucleotide variant.
Coding change: c.3670A>G on transcript NM_000548.5 (MANE Select); coding-DNA position 3670, A replaced by G.
Protein change: p.Asn1224Asp; replaces asparagine 1224 with aspartic acid.
Molecular consequence: missense variant. On other transcripts: non-coding transcript variant (5).
Genome position (GRCh38, 1-based): chr16:2,081,654, A>G. VCF-style: chr16-2081654-A-G. GRCh37 (hg19) VCF-style: chr16-2131655-A-G.
Other names: c.3538A>G, p.Asn1180Asp (NM_001077183.3, NM_001370404.1, NM_001406665.1); c.3670A>G, p.Asn1224Asp (NM_001114382.3); c.3430A>G, p.Asn1144Asp (NM_001318827.2); c.3394A>G, p.Asn1132Asp (NM_001318829.2); c.2938A>G, p.Asn980Asp (NM_001318831.2, NM_001406687.1, NM_001406688.1); c.3571A>G, p.Asn1191Asp (NM_001318832.2); c.3541A>G, p.Asn1181Asp (NM_001363528.2, NM_021055.3, NM_001370405.1); c.3523A>G, p.Asn1175Asp (NM_001406675.1); and 18 more; short protein forms N1023D, N1024D, N1131D, N1143D, N1174D, N1180D, N1187D, N1191D.
Identifiers: ClinVar variation 3697937 (VCV003697937.2).